The following is an entry in ClinVar:

ClinVar aggregate classification (germline): Uncertain significance (1 of 4 stars; one submission).

Allele frequency attached by ClinVar (database versions not stated): gnomAD exomes 0.00001 and 0.00002; ExAC 0.00003; gnomAD 0.00003 and 0.00004; TOPMed 0.00003.

Submission:

GeneDx
Classification: Uncertain significance. Last evaluated: 2019-04-12. Review status: criteria provided, single submitter. Criteria: GeneDx Variant Classification Process June 2021. Collection method: clinical testing. Allele origin: germline. Affected: yes.
Comment: Not observed at a significant frequency in large population cohorts (Lek et al., 2016); In silico analysis, which includes protein predictors and evolutionary conservation, supports a deleterious effect; Has not been previously published as pathogenic or benign to our knowledge

NM_001084.5(PLOD3):c.1262A>G (p.His421Arg)

Gene: PLOD3 (procollagen-lysine,2-oxoglutarate 5-dioxygenase 3; minus strand). Cytogenetic location: 7q22.1.
Variant type: single nucleotide variant.
Coding change: c.1262A>G on transcript NM_001084.5 (MANE Select); coding-DNA position 1262, A replaced by G.
Protein change: p.His421Arg; replaces histidine 421 with arginine.
Molecular consequence: missense variant.
Genome position (GRCh38, 1-based): chr7:101,211,687, T>C on the plus strand (A>G on the coding strand, the complement: PLOD3 is on the minus strand). VCF-style: chr7-101211687-T-C. GRCh37 (hg19) VCF-style: chr7-100854968-T-C.
Other names: short protein forms H421R.
Identifiers: ClinVar variation 1317398 (VCV001317398.2), dbSNP rs779421418, ClinGen allele CA4407755.